The following is an entry in ClinVar:

NM_201384.3(PLEC):c.1435G>A (p.Glu479Lys)

Gene: PLEC (plectin; minus strand). Cytogenetic location: 8q24.3.
Variant type: single nucleotide variant.
Coding change: c.1435G>A on transcript NM_201384.3 (MANE Select); coding-DNA position 1435, G replaced by A.
Protein change: p.Glu479Lys; replaces glutamic acid 479 with lysine.
Molecular consequence: missense variant.
Genome position (GRCh38, 1-based): chr8:143,933,095, C>T on the plus strand (G>A on the coding strand, the complement: PLEC is on the minus strand). VCF-style: chr8-143933095-C-T. GRCh37 (hg19) VCF-style: chr8-145007263-C-T.
Other names: c.1846G>A, p.Glu616Lys (NM_201380.4); c.1339G>A, p.Glu447Lys (NM_201381.3); c.1435G>A, p.Glu479Lys (NM_201382.4); c.1447G>A, p.Glu483Lys (NM_201383.3); c.1516G>A, p.Glu506Lys (NM_000445.5, NM_001410941.1); c.1393G>A, p.Glu465Lys (NM_201378.4); c.1369G>A, p.Glu457Lys (NM_201379.3); short protein forms E447K, E457K, E465K, E479K, E483K, E506K, E616K.
Identifiers: ClinVar variation 3755039 (VCV003755039.2).

ClinVar aggregate classification (germline): Uncertain significance (1 of 4 stars; one submission).

Conditions:
Epidermolysis bullosa simplex with nail dystrophy (EBS5D). Identifiers: MedGen C4225309, MONDO:0014661, OMIM 616487.
Epidermolysis bullosa simplex, Ogna type (EBS5A). Also called: Pidermolysis bullosa simplex 5A, Ogna type; EPIDERMOLYSIS BULLOSA SIMPLEX 5A, OGNA TYPE. Identifiers: Orphanet 79401, MedGen C0432317, MONDO:0007555, OMIM 131950.
Autosomal recessive limb-girdle muscular dystrophy type 2Q (LGMDR17). Also called: MUSCULAR DYSTROPHY, LIMB-GIRDLE, AUTOSOMAL RECESSIVE 17. Identifiers: Orphanet 254361, MedGen C3150989, MONDO:0013390, OMIM 613723.
Epidermolysis bullosa simplex 5B, with muscular dystrophy (EBS5B). Also called: EPIDERMOLYSIS BULLOSA SIMPLEX AND LIMB-GIRDLE MUSCULAR DYSTROPHY; Epidermolysis bullosa simplex with muscular dystrophy. Identifiers: Orphanet 257, MedGen C2931072, MONDO:0009181, OMIM 226670.
Epidermolysis bullosa simplex 5C, with pyloric atresia (EBS5C). Also called: PLEC-Related Epidermolysis Bullosa with Pyloric Atresia; Epidermolysis bullosa simplex with pyloric atresia; PLEC1-Related Epidermolysis Bullosa with Pyloric Atresia. Identifiers: Orphanet 158684, MedGen C2677349, MONDO:0012807, OMIM 612138.

gnomAD v4.1: 2 of 1,591,048 alleles (0.00013%); highest among the groups gnomAD compares: East Asian, 0.0045%; no homozygotes.

Submission:

Labcorp Genetics (formerly Invitae), Labcorp
Classification: Uncertain significance for Autosomal recessive limb-girdle muscular dystrophy type 2Q; Epidermolysis bullosa simplex, Ogna type; Epidermolysis bullosa simplex with nail dystrophy; Epidermolysis bullosa simplex 5C, with pyloric atresia; Epidermolysis bullosa simplex 5B, with muscular dystrophy. Last evaluated: 2024-03-29. Review status: criteria provided, single submitter. Criteria: Invitae Variant Classification Sherloc (09022015). Collection method: clinical testing. Allele origin: germline.
Comment: This sequence change replaces glutamic acid, which is acidic and polar, with lysine, which is basic and polar, at codon 506 of the PLEC protein (p.Glu506Lys). The frequency data for this variant in the population databases is considered unreliable, as metrics indicate poor data quality at this position in the gnomAD database. This variant has not been reported in the literature in individuals affected with PLEC-related conditions. Experimental studies and prediction algorithms are not available or were not evaluated, and the functional significance of this variant is currently unknown. In summary, the available evidence is currently insufficient to determine the role of this variant in disease. Therefore, it has been classified as a Variant of Uncertain Significance.